The following is an entry in ClinVar:

ClinVar aggregate classification (germline): Uncertain significance (1 of 4 stars; one submission).

Submission:

Labcorp Genetics (formerly Invitae), Labcorp
Classification: Uncertain significance. Last evaluated: 2025-12-27. Review status: criteria provided, single submitter. Criteria: Invitae Variant Classification Sherloc (09022015). Collection method: clinical testing. Allele origin: germline.
Comment: This sequence change replaces glycine, which is neutral and non-polar, with aspartic acid, which is acidic and polar, at codon 1646 of the ARID1B protein (p.Gly1646Asp). This variant is not present in population databases (gnomAD no frequency). This variant has not been reported in the literature in individuals affected with ARID1B-related conditions. Invitae Evidence Modeling of protein sequence and biophysical properties (such as structural, functional, and spatial information, amino acid conservation, physicochemical variation, residue mobility, and thermodynamic stability) indicates that this missense variant is expected to disrupt ARID1B protein function with a positive predictive value of 80%. In summary, the available evidence is currently insufficient to determine the role of this variant in disease. Therefore, it has been classified as a Variant of Uncertain Significance.

NM_001374828.1(ARID1B):c.5306G>A (p.Gly1769Asp)

Gene: ARID1B (AT-rich interaction domain 1B; plus strand). Cytogenetic location: 6q25.3.
Variant type: single nucleotide variant.
Coding change: c.5306G>A on transcript NM_001374828.1 (MANE Select); coding-DNA position 5306, G replaced by A.
Protein change: p.Gly1769Asp; replaces glycine 1769 with aspartic acid.
Molecular consequence: missense variant.
Genome position (GRCh38, 1-based): chr6:157,203,908, G>A. VCF-style: chr6-157203908-G-A. GRCh37 (hg19) VCF-style: chr6-157525042-G-A.
Other names: c.2807G>A, p.Gly936Asp (NM_001363725.2); c.5186G>A, p.Gly1729Asp (NM_001371656.1, NM_001374820.1); c.5435G>A, p.Gly1812Asp (NM_001438482.1); c.5348G>A, p.Gly1783Asp (NM_001438483.1); c.5216G>A, p.Gly1739Asp (NM_001438485.1); c.5189G>A, p.Gly1730Asp (NM_001438486.1); c.5126G>A, p.Gly1709Asp (NM_001438487.1); c.2648G>A, p.Gly883Asp (NM_001438488.1); and 1 more; short protein forms G1709D, G1716D, G1729D, G1730D, G1739D, G1769D, G1783D, G1812D.
Identifiers: ClinVar variation 4801404 (VCV004801404.1).